The following is an entry in ClinVar:

NM_005609.4(PYGM):c.527A>G (p.Gln176Arg)

Gene: PYGM (glycogen phosphorylase, muscle associated; minus strand). Cytogenetic location: 11q13.1.
Variant type: single nucleotide variant.
Coding change: c.527A>G on transcript NM_005609.4 (MANE Select); coding-DNA position 527, A replaced by G.
Protein change: p.Gln176Arg; replaces glutamine 176 with arginine.
Molecular consequence: missense variant.
Genome position (GRCh38, 1-based): chr11:64,758,247, T>C on the plus strand (A>G on the coding strand, the complement: PYGM is on the minus strand). VCF-style: chr11-64758247-T-C. GRCh37 (hg19) VCF-style: chr11-64525719-T-C.
Other names: c.263A>G, p.Gln88Arg (NM_001164716.1); short protein forms Q176R, Q88R.
Identifiers: ClinVar variation 3896967 (VCV003896967.1).

ClinVar aggregate classification (germline): Uncertain significance (1 of 4 stars; one submission).

Conditions:
Glycogen storage disease, type V (GSD5). Also called: MCARDLE DISEASE; MUSCLE GLYCOGEN PHOSPHORYLASE DEFICIENCY; MYOPHOSPHORYLASE DEFICIENCY; PYGM DEFICIENCY; McArdle type glycogen storage disease. Identifiers: Orphanet 368, MedGen C0017924, MONDO:0009293, OMIM 232600.

gnomAD v4.1: 1 of 1,611,062 alleles (0.000062%); no homozygotes.

Submission:

Kariminejad - Najmabadi Pathology & Genetics Center
Classification: Uncertain significance for Glycogen storage disease, type V. Last evaluated: 2022-06-16. Review status: criteria provided, single submitter. Criteria: ACMG Guidelines, 2015. Collection method: clinical testing. Allele origin: germline. Inheritance: Autosomal recessive inheritance. Affected: yes.
Comment: PM2, PP3